The following is an entry in ClinVar:

NM_004727.3(SLC24A1):c.133C>T (p.Arg45Trp)

Gene: SLC24A1 (solute carrier family 24 member 1; plus strand). Cytogenetic location: 15q22.31.
Variant type: single nucleotide variant.
Coding change: c.133C>T on transcript NM_004727.3 (MANE Select); coding-DNA position 133, C replaced by T.
Protein change: p.Arg45Trp; replaces arginine 45 with tryptophan.
Molecular consequence: missense variant.
Genome position (GRCh38, 1-based): chr15:65,624,213, C>T. VCF-style: chr15-65624213-C-T. GRCh37 (hg19) VCF-style: chr15-65916551-C-T.
Other names: c.133C>T, p.Arg45Trp (NM_001301031.1, NM_001301032.1, NM_001301033.2 and 1 more transcripts); short protein forms R45W.
Identifiers: ClinVar variation 2071113 (VCV002071113.1), dbSNP rs759654338, ClinGen allele CA7619699.

ClinVar aggregate classification (germline): Uncertain significance (1 of 4 stars; one submission).

Allele frequency attached by ClinVar (database versions not stated): ExAC 0.00001; gnomAD exomes 0.00002; TOPMed 0.00003; gnomAD 0.00004.
gnomAD v4.1: 33 of 1,613,760 alleles (0.002%); highest among the groups gnomAD compares: East Asian, 0.0045%; no homozygotes.

Submission:

Labcorp Genetics (formerly Invitae), Labcorp
Classification: Uncertain significance. Last evaluated: 2022-04-28. Review status: criteria provided, single submitter. Criteria: Invitae Variant Classification Sherloc (09022015). Collection method: clinical testing. Allele origin: germline.
Comment: This sequence change replaces arginine, which is basic and polar, with tryptophan, which is neutral and slightly polar, at codon 45 of the SLC24A1 protein (p.Arg45Trp). This variant is present in population databases (rs759654338, gnomAD 0.006%). This variant has not been reported in the literature in individuals affected with SLC24A1-related conditions. Algorithms developed to predict the effect of missense changes on protein structure and function output the following: SIFT: "Tolerated"; PolyPhen-2: "Benign"; Align-GVGD: "Class C0". The tryptophan amino acid residue is found in multiple mammalian species, which suggests that this missense change does not adversely affect protein function. In summary, the available evidence is currently insufficient to determine the role of this variant in disease. Therefore, it has been classified as a Variant of Uncertain Significance.